The following is an entry in ClinVar:

ClinVar aggregate classification (germline): Uncertain significance. Review status: criteria provided, multiple submitters, no conflicts (2 of 4 stars). 2 submissions from 2 submitters: Uncertain significance (2). Last evaluated 2026-08-03.

Conditions:
Familial meningioma. Also called: Meningioma, familial, susceptibility to. Identifiers: Orphanet 263662, MedGen C3551915, MONDO:0011789, OMIM 607174.
Hereditary cancer-predisposing syndrome. Also called: Hereditary Cancer Syndrome; Hereditary neoplastic syndrome; Neoplastic Syndromes, Hereditary; Tumor predisposition. Identifiers: Orphanet 140162, MedGen C0027672, MeSH D009386, MONDO:0015356.

Submissions (2):

Ambry Genetics
Classification: Uncertain significance for Hereditary cancer-predisposing syndrome. Last evaluated: 2026-08-03. Review status: criteria provided, single submitter. Criteria: Ambry Variant Classification Scheme 2023. Collection method: clinical testing. Allele origin: germline.
Comment: The p.E306A variant (also known as c.917A>C), located in coding exon 9 of the SMARCE1 gene, results from an A to C substitution at nucleotide position 917. The glutamic acid at codon 306 is replaced by alanine, an amino acid with dissimilar properties. This amino acid position is conserved. In addition, this alteration is predicted to be tolerated by in silico analysis. Based on the available evidence, the clinical significance of this variant remains unclear.

Labcorp Genetics (formerly Invitae), Labcorp
Classification: Uncertain significance for Familial meningioma. Last evaluated: 2025-12-03. Review status: criteria provided, single submitter. Criteria: Invitae Variant Classification Sherloc (09022015). Collection method: clinical testing. Allele origin: germline.
Comment: This sequence change replaces glutamic acid, which is acidic and polar, with alanine, which is neutral and non-polar, at codon 306 of the SMARCE1 protein (p.Glu306Ala). This variant is not present in population databases (gnomAD no frequency). This variant has not been reported in the literature in individuals affected with SMARCE1-related conditions. Invitae Evidence Modeling of protein sequence and biophysical properties (such as structural, functional, and spatial information, amino acid conservation, physicochemical variation, residue mobility, and thermodynamic stability) indicates that this missense variant is not expected to disrupt SMARCE1 protein function with a negative predictive value of 80%. In summary, the available evidence is currently insufficient to determine the role of this variant in disease. Therefore, it has been classified as a Variant of Uncertain Significance.

NM_003079.5(SMARCE1):c.917A>C (p.Glu306Ala)

Gene: SMARCE1 (SWI/SNF related BAF chromatin remodeling complex subunit E1; minus strand). Cytogenetic location: 17q21.2.
Variant type: single nucleotide variant.
Coding change: c.917A>C on transcript NM_003079.5 (MANE Select); coding-DNA position 917, A replaced by C.
Protein change: p.Glu306Ala; replaces glutamic acid 306 with alanine.
Molecular consequence: missense variant.
Genome position (GRCh38, 1-based): chr17:40,630,824, T>G on the plus strand (A>C on the coding strand, the complement: SMARCE1 is on the minus strand). VCF-style: chr17-40630824-T-G. GRCh37 (hg19) VCF-style: chr17-38787076-T-G.
Other names: short protein forms E306A.
Identifiers: ClinVar variation 4705335 (VCV004705335.2).